The following is an entry in ClinVar:

ClinVar aggregate classification (germline): Uncertain significance (1 of 4 stars; one submission).

Allele frequency attached by ClinVar (database versions not stated): gnomAD exomes 0.00009.
gnomAD v4.1: 127 of 1,613,322 alleles (0.0079%); highest among the groups gnomAD compares: Non-Finnish European, 0.011%; no homozygotes.

Submission:

Labcorp Genetics (formerly Invitae), Labcorp
Classification: Uncertain significance. Last evaluated: 2022-05-11. Review status: criteria provided, single submitter. Criteria: Invitae Variant Classification Sherloc (09022015). Collection method: clinical testing. Allele origin: germline.
Comment: In summary, the available evidence is currently insufficient to determine the role of this variant in disease. Therefore, it has been classified as a Variant of Uncertain Significance. Algorithms developed to predict the effect of missense changes on protein structure and function output the following: SIFT: "Not Available"; PolyPhen-2: "Benign"; Align-GVGD: "Not Available". The histidine amino acid residue is found in multiple mammalian species, which suggests that this missense change does not adversely affect protein function. This variant has not been reported in the literature in individuals affected with FBN3-related conditions. This variant is present in population databases (no rsID available, gnomAD 0.002%). This sequence change replaces arginine, which is basic and polar, with histidine, which is basic and polar, at codon 2756 of the FBN3 protein (p.Arg2756His).

NM_032447.5(FBN3):c.8267G>A (p.Arg2756His)

Gene: FBN3 (fibrillin 3; minus strand). Cytogenetic location: 19p13.2.
Variant type: single nucleotide variant.
Coding change: c.8267G>A on transcript NM_032447.5 (MANE Select); coding-DNA position 8267, G replaced by A.
Protein change: p.Arg2756His; replaces arginine 2756 with histidine.
Molecular consequence: missense variant.
Genome position (GRCh38, 1-based): chr19:8,066,082, C>T on the plus strand (G>A on the coding strand, the complement: FBN3 is on the minus strand). VCF-style: chr19-8066082-C-T. GRCh37 (hg19) VCF-style: chr19-8130966-C-T.
Other names: c.8267G>A, p.Arg2756His (NM_001321431.2); short protein forms R2756H.
Identifiers: ClinVar variation 1906859 (VCV001906859.5), dbSNP rs990576924, ClinGen allele CA304929726.